The following is an entry in ClinVar:

NM_001079802.2(FKTN):c.98C>T (p.Ser33Leu)

Gene: FKTN (fukutin; plus strand). Cytogenetic location: 9q31.2.
Variant type: single nucleotide variant.
Coding change: c.98C>T on transcript NM_001079802.2 (MANE Select); coding-DNA position 98, C replaced by T.
Protein change: p.Ser33Leu; replaces serine 33 with leucine.
Molecular consequence: missense variant. On other transcripts: 5 prime UTR variant (5), non-coding transcript variant (2).
Genome position (GRCh38, 1-based): chr9:105,575,130, C>T. VCF-style: chr9-105575130-C-T. GRCh37 (hg19) VCF-style: chr9-108337411-C-T.
Other names: c.98C>T, p.Ser33Leu (NM_001198963.2, NM_001351496.2, NM_001351498.2 and 1 more transcripts); c.-70C>T (NM_001351497.2); c.-417C>T (NM_001351499.2, NM_001351500.2, NM_001351501.2 and 1 more transcripts); short protein forms S33L.
Identifiers: ClinVar variation 4025265 (VCV004025265.1).

ClinVar aggregate classification (germline): Uncertain significance (1 of 4 stars; one submission).

Conditions:
Cardiovascular phenotype. Identifiers: MedGen CN230736.

Submission:

Ambry Genetics
Classification: Uncertain significance for Cardiovascular phenotype. Last evaluated: 2025-04-13. Review status: criteria provided, single submitter. Criteria: Ambry Variant Classification Scheme 2023. Collection method: clinical testing. Allele origin: germline.
Comment: The p.S33L variant (also known as c.98C>T), located in coding exon 1 of the FKTN gene, results from a C to T substitution at nucleotide position 98. The serine at codon 33 is replaced by leucine, an amino acid with dissimilar properties. This amino acid position is conserved. In addition, this alteration is predicted to be deleterious by in silico analysis. Based on the available evidence, the clinical significance of this variant remains unclear.